The following is an entry in ClinVar:

NM_001079872.2(CUL4B):c.2139G>C (p.Val713=)

Gene: CUL4B (cullin 4B; minus strand). Cytogenetic location: Xq24.
Variant type: single nucleotide variant.
Coding change: c.2139G>C on transcript NM_001079872.2 (MANE Select); coding-DNA position 2139, G replaced by C.
Protein change: p.Val713=; no amino-acid change (valine 713 retained).
Molecular consequence: synonymous variant.
Genome position (GRCh38, 1-based): chrX:120,535,851, C>G on the plus strand (G>C on the coding strand, the complement: CUL4B is on the minus strand). VCF-style: chrX-120535851-C-G. GRCh37 (hg19) VCF-style: chrX-119669706-C-G.
Other names: c.2154G>C, p.Val718= (NM_001330624.2); c.1605G>C, p.Val535= (NM_001369145.1); c.2193G>C, p.Val731= (NM_003588.4).
Identifiers: ClinVar variation 4998790 (VCV004998790.1).

ClinVar aggregate classification (germline): Likely benign (1 of 4 stars; one submission).

Conditions:
CUL4B-related disorder. Also called: CUL4B-related condition.

Submission:

PreventionGenetics, part of Exact Sciences
Classification: Likely benign for CUL4B-related condition. Last evaluated: 2025-01-13. Review status: criteria provided, single submitter. Criteria: ACMG Guidelines, 2015. Collection method: clinical testing. Allele origin: germline.
Comment: This variant is classified as likely benign based on ACMG/AMP sequence variant interpretation guidelines (Richards et al. 2015 PMID: 25741868, with internal and published modifications).